The following is an entry in ClinVar:

ClinVar aggregate classification (germline): Uncertain significance (1 of 4 stars; one submission).

Conditions:
Ataxia-telangiectasia syndrome (AT). Also called: ATAXIA-TELANGIECTASIA, COMPLEMENTATION GROUP A; ATAXIA-TELANGIECTASIA, FRESNO VARIANT; Ataxia-telangiectasia; Ataxia-telangiectasia, complementation group D; AT, COMPLEMENTATION GROUP C; Ataxia-telangiectasia, complementation group E. Identifiers: Orphanet 100, MedGen C0004135, MONDO:0008840, OMIM 208900.

Submission:

Labcorp Genetics (formerly Invitae), Labcorp
Classification: Uncertain significance for Ataxia-telangiectasia syndrome. Last evaluated: 2018-01-30. Review status: criteria provided, single submitter. Criteria: Invitae Variant Classification Sherloc (09022015). Collection method: clinical testing. Allele origin: germline.
Comment: In summary, the available evidence is currently insufficient to determine the role of this variant in disease. Therefore, it has been classified as a Variant of Uncertain Significance. This sequence change replaces alanine with threonine at codon 920 of the ATM protein (p.Ala920Thr). The alanine residue is weakly conserved and there is a small physicochemical difference between alanine and threonine. This variant is not present in population databases (ExAC no frequency). This variant has not been reported in the literature in individuals with ATM-related disease. Algorithms developed to predict the effect of missense changes on protein structure and function (SIFT, PolyPhen-2, Align-GVGD) all suggest that this variant is likely to be tolerated, but these predictions have not been confirmed by published functional studies and their clinical significance is uncertain.

NM_000051.4(ATM):c.2758G>A (p.Ala920Thr)

Gene: ATM (ATM serine/threonine kinase; plus strand). Cytogenetic location: 11q22.3.
Variant type: single nucleotide variant.
Coding change: c.2758G>A on transcript NM_000051.4 (MANE Select); coding-DNA position 2758, G replaced by A.
Protein change: p.Ala920Thr; replaces alanine 920 with threonine.
Molecular consequence: missense variant.
Genome position (GRCh38, 1-based): chr11:108,268,529, G>A. VCF-style: chr11-108268529-G-A. GRCh37 (hg19) VCF-style: chr11-108139256-G-A.
Other names: c.2758G>A, p.Ala920Thr (NM_001351834.2); short protein forms A920T.
Identifiers: ClinVar variation 524423 (VCV000524423.7), dbSNP rs1555083326, ClinGen allele CA382545457.